The following is an entry in ClinVar:

NM_007294.4(BRCA1):c.4748G>C (p.Arg1583Thr)

Gene: BRCA1 (BRCA1 DNA repair associated; minus strand). Cytogenetic location: 17q21.31.
Variant type: single nucleotide variant.
Coding change: c.4748G>C on transcript NM_007294.4 (MANE Select); coding-DNA position 4748, G replaced by C.
Protein change: p.Arg1583Thr; replaces arginine 1583 with threonine.
Molecular consequence: missense variant. On other transcripts: non-coding transcript variant (1).
Genome position (GRCh38, 1-based): chr17:43,071,166, C>G on the plus strand (G>C on the coding strand, the complement: BRCA1 is on the minus strand). VCF-style: chr17-43071166-C-G. GRCh37 (hg19) VCF-style: chr17-41223183-C-G.
Other names: c.4745G>C, p.Arg1582Thr (NM_001407859.1, NM_001407860.1, NM_001407610.1 and 17 more transcripts); c.4742G>C, p.Arg1581Thr (NM_001407861.1, NM_001407627.1, NM_001407628.1 and 14 more transcripts); c.4547G>C, p.Arg1516Thr (NM_001407862.1); c.4622G>C, p.Arg1541Thr (NM_001407863.1, NM_001407939.1, NM_001407940.1 and 11 more transcripts); c.4541G>C, p.Arg1514Thr (NM_001407874.1, NM_001407875.1); c.4538G>C, p.Arg1513Thr (NM_001407879.1, NM_001407881.1, NM_001407882.1 and 5 more transcripts); c.4535G>C, p.Arg1512Thr (NM_001407894.1, NM_001407895.1, NM_001407896.1 and 12 more transcripts); c.4532G>C, p.Arg1511Thr (NM_001407915.1, NM_001407916.1, NM_001407917.1 and 1 more transcripts); and 70 more; short protein forms R1536T, R1583T, R1604T, R479T, R1472T, R1495T, R1513T, R1542T.
Identifiers: ClinVar variation 928766 (VCV000928766.9), dbSNP rs752624544, ClinGen allele CA10592013.

ClinVar aggregate classification (germline): Uncertain significance. Review status: criteria provided, multiple submitters, no conflicts (2 of 4 stars). 3 submissions from 3 submitters: Uncertain significance (3). Last evaluated 2024-03-20.

Conditions:
Hereditary cancer-predisposing syndrome. Also called: Neoplastic Syndromes, Hereditary; Hereditary Cancer Syndrome; Tumor predisposition; Hereditary neoplastic syndrome. Identifiers: Orphanet 140162, MedGen C0027672, MeSH D009386, MONDO:0015356.
Hereditary breast ovarian cancer syndrome. Also called: Hereditary breast and ovarian cancer syndrome; Hereditary breast and ovarian cancer syndrome (HBOC); Hereditary breast and/or ovarian cancer syndrome; Hereditary breast and ovarian cancer; Breast and ovarian cancer; BRCA1- and BRCA2-Associated Hereditary Breast and Ovarian Cancer. Identifiers: Orphanet 145, MedGen C0677776, MeSH D061325, MONDO:0003582. Disease mechanism: loss of function.

gnomAD v4.1: 1 of 1,614,184 alleles (0.000062%); highest among the groups gnomAD compares: East Asian, 0.0022%; no homozygotes.

Submissions (3):

Ambry Genetics
Classification: Uncertain significance for Hereditary cancer-predisposing syndrome. Last evaluated: 2024-03-20. Review status: criteria provided, single submitter. Criteria: Ambry Variant Classification Scheme 2023. Collection method: clinical testing. Allele origin: germline.
Comment: The p.R1583T variant (also known as c.4748G>C), located in coding exon 14 of the BRCA1 gene, results from a G to C substitution at nucleotide position 4748. The arginine at codon 1583 is replaced by threonine, an amino acid with similar properties. This variant was not observed in 7051 unselected female breast cancer patients but was detected in 2/11241 female controls of Japanese ancestry (Momozawa Y et al. Nat Commun, 2018 Oct;9:4083). This variant was found to be functional in homology-directed repair functional assay (Adamovich AI et al. Am J Hum Genet, 2022 Apr;109:618-630). This amino acid position is not well conserved in available vertebrate species. In addition, the in silico prediction for this alteration is inconclusive. Based on the available evidence, the clinical significance of this alteration remains unclear.

Labcorp Genetics (formerly Invitae), Labcorp
Classification: Uncertain significance for Hereditary breast ovarian cancer syndrome. Last evaluated: 2021-09-06. Review status: criteria provided, single submitter. Criteria: Invitae Variant Classification Sherloc (09022015). Collection method: clinical testing. Allele origin: germline.
Comment: In summary, the available evidence is currently insufficient to determine the role of this variant in disease. Therefore, it has been classified as a Variant of Uncertain Significance. Advanced modeling of protein sequence and biophysical properties (such as structural, functional, and spatial information, amino acid conservation, physicochemical variation, residue mobility, and thermodynamic stability) performed at Invitae indicates that this missense variant is not expected to disrupt BRCA1 protein function. ClinVar contains an entry for this variant (Variation ID: 928766). This variant has not been reported in the literature in individuals affected with BRCA1-related conditions. This variant is not present in population databases (ExAC no frequency). This sequence change replaces arginine with threonine at codon 1583 of the BRCA1 protein (p.Arg1583Thr). The arginine residue is weakly conserved and there is a moderate physicochemical difference between arginine and threonine.

Women's Health and Genetics/Laboratory Corporation of America, LabCorp
Classification: Uncertain significance. Last evaluated: 2019-07-18. Review status: criteria provided, single submitter. Criteria: LabCorp Variant Classification Summary - May 2015. Collection method: clinical testing. Allele origin: germline.
Comment: Variant summary: BRCA1 c.4748G>C (p.Arg1583Thr) results in a non-conservative amino acid change in the encoded protein sequence. Four of five in-silico tools predict a benign effect of the variant on protein function. The variant allele was found at a frequency of 6.7e-06 in 298824 control chromosomes (gnomAD database and Momozawa_2018). The available data on variant occurrences in the general population are insufficient to allow any conclusion about variant significance. To our knowledge, no occurrence of c.4748G>C in individuals affected with Hereditary Breast and Ovarian Cancer and no experimental evidence demonstrating its impact on protein function have been reported. Co-occurrence with another pathogenic variant has been reported (PTEN c.697C>T, p.Arg233X; in our internal database) for this variant, providing supporting evidence for a benign role. No clinical diagnostic laboratories have submitted clinical-significance assessments for this variant to ClinVar after 2014. Based on the evidence outlined above, the variant was classified as uncertain significance.

Literature cited by the submitters: PubMed 30287823 (cited by Ambry Genetics and Women's Health and Genetics/Laboratory Corporation of America, LabCorp); PubMed 35196514 (cited by Ambry Genetics).